The following is an entry in ClinVar:

NM_152383.5(DIS3L2):c.2588A>G (p.Gln863Arg)

Gene: DIS3L2 (DIS3 like 3'-5' exoribonuclease 2; plus strand). Cytogenetic location: 2q37.1.
Variant type: single nucleotide variant.
Coding change: c.2588A>G on transcript NM_152383.5 (MANE Select); coding-DNA position 2588, A replaced by G.
Protein change: p.Gln863Arg; replaces glutamine 863 with arginine.
Molecular consequence: missense variant. On other transcripts: non-coding transcript variant (2), intron variant (1).
Genome position (GRCh38, 1-based): chr2:232,336,560, A>G. VCF-style: chr2-232336560-A-G. GRCh37 (hg19) VCF-style: chr2-233201270-A-G.
Other names: c.1582-6785A>G (NM_001257281.2); short protein forms Q863R.
Identifiers: ClinVar variation 531914 (VCV000531914.11), dbSNP rs777191235, ClinGen allele CA2164621.
Genomic context (GRCh38, chr2:232,336,560, plus strand): 5'-TCCTGCAGGCAGAGTCCACAGCCCTCAAGTACAGCGCCATCCTGAAGCGGCCAGGCACCC[A>G]GGGCCACCTGGGCCCTGAGAAGGAGGAGGAGGAGTCTGACGGTGAGCCCGAGGACTCAAG-3'
Protein context (NP_689596.4, residues 853-873): YSAILKRPGT[Gln863Arg]GHLGPEKEEE

ClinVar aggregate classification (germline): Uncertain significance (1 of 4 stars; one submission).

Conditions:
Perlman syndrome (PRLMNS). Identifiers: Orphanet 2849, MedGen C0796113, MONDO:0009965, OMIM 267000.

Allele frequency attached by ClinVar (database versions not stated): ExAC 0.00002.
gnomAD v4.1: 14 of 1,609,702 alleles (0.00087%); highest among the groups gnomAD compares: South Asian, 0.013%; no homozygotes.

Submission:

Labcorp Genetics (formerly Invitae), Labcorp
Classification: Uncertain significance for Perlman syndrome. Last evaluated: 2022-07-06. Review status: criteria provided, single submitter. Criteria: Invitae Variant Classification Sherloc (09022015). Collection method: clinical testing. Allele origin: germline.
Comment: In summary, the available evidence is currently insufficient to determine the role of this variant in disease. Therefore, it has been classified as a Variant of Uncertain Significance. Algorithms developed to predict the effect of missense changes on protein structure and function (SIFT, PolyPhen-2, Align-GVGD) all suggest that this variant is likely to be tolerated. ClinVar contains an entry for this variant (Variation ID: 531914). This variant has not been reported in the literature in individuals affected with DIS3L2-related conditions. This variant is present in population databases (rs777191235, gnomAD 0.02%). This sequence change replaces glutamine, which is neutral and polar, with arginine, which is basic and polar, at codon 863 of the DIS3L2 protein (p.Gln863Arg).